The following is an entry in ClinVar:

NM_000257.4(MYH7):c.2178C>A (p.Asn726Lys)

Gene: MYH7 (myosin heavy chain 7; minus strand). Cytogenetic location: 14q11.2.
Variant type: single nucleotide variant.
Coding change: c.2178C>A on transcript NM_000257.4 (MANE Select); coding-DNA position 2178, C replaced by A.
Protein change: p.Asn726Lys; replaces asparagine 726 with lysine.
Molecular consequence: missense variant.
Genome position (GRCh38, 1-based): chr14:23,425,803, G>T on the plus strand (C>A on the coding strand, the complement: MYH7 is on the minus strand). VCF-style: chr14-23425803-G-T. GRCh37 (hg19) VCF-style: chr14-23895012-G-T.
Other names: short protein forms N726K.
Identifiers: ClinVar variation 42888 (VCV000042888.10), dbSNP rs397516137, ClinGen allele CA011879.

ClinVar aggregate classification (germline): Uncertain significance. Review status: criteria provided, multiple submitters, no conflicts (2 of 4 stars). 3 submissions from 3 submitters: Uncertain significance (3). Last evaluated 2026-02-01.

Conditions:
Hypertrophic cardiomyopathy. Also called: HYPERTROPHIC MYOCARDIOPATHY. Identifiers: Orphanet 217569, MedGen C0007194, MeSH D002312, MONDO:0005045, HP:0001639.

Allele frequency attached by ClinVar (database versions not stated): TOPMed below 0.00001.

Submissions (3):

Labcorp Genetics (formerly Invitae), Labcorp
Classification: Uncertain significance for Hypertrophic cardiomyopathy. Last evaluated: 2026-02-01. Review status: criteria provided, single submitter. Criteria: Invitae Variant Classification Sherloc (09022015). Collection method: clinical testing. Allele origin: germline.
Comment: This sequence change replaces asparagine, which is neutral and polar, with lysine, which is basic and polar, at codon 726 of the MYH7 protein (p.Asn726Lys). This variant is not present in population databases (gnomAD no frequency). This missense change has been observed in individual(s) with hypertrophic cardiomyopathy (PMID: 27247418, 27532257). ClinVar contains an entry for this variant (Variation ID: 42888). Invitae Evidence Modeling of protein sequence and biophysical properties (such as structural, functional, and spatial information, amino acid conservation, physicochemical variation, residue mobility, and thermodynamic stability) indicates that this missense variant is expected to disrupt MYH7 protein function with a positive predictive value of 95%. In summary, the available evidence is currently insufficient to determine the role of this variant in disease. Therefore, it has been classified as a Variant of Uncertain Significance.

GeneDx
Classification: Uncertain significance. Last evaluated: 2024-06-11. Review status: criteria provided, single submitter. Criteria: GeneDx Variant Classification Process June 2021. Collection method: clinical testing. Allele origin: germline. Affected: yes.
Comment: Identified in patients with HCM in published literature (PMID: 27247418, 27532257, 37652022); Not observed in large population cohorts (gnomAD); In silico analysis supports that this missense variant has a deleterious effect on protein structure/function; This variant is associated with the following publications: (PMID: 27532257, 29300372, 27247418, 37652022, 34542152)

Laboratory for Molecular Medicine, Mass General Brigham Personalized Medicine
Classification: Uncertain significance. Last evaluated: 2014-01-20. Review status: criteria provided, single submitter. Criteria: LMM Criteria. Collection method: clinical testing. Allele origin: germline. Observed: 1 variant allele.
Comment: proposed classification - variant undergoing re-assessment, contact laboratory

Literature cited by the submitters: PubMed 27247418 (cited by Labcorp Genetics (formerly Invitae), Labcorp); PubMed 27532257 (cited by Labcorp Genetics (formerly Invitae), Labcorp).